The following is an entry in ClinVar:

ClinVar aggregate classification (germline): Uncertain significance (1 of 4 stars; one submission).

Conditions:
X-linked lymphoproliferative disease due to XIAP deficiency. Also called: XIAP DEFICIENCY; XIAP-Related Lymphoproliferative Disease, X-Linked. Identifiers: Orphanet 2442, Orphanet 538934, MedGen C1845076, MONDO:0010385, OMIM 300635.

Submission:

Labcorp Genetics (formerly Invitae), Labcorp
Classification: Uncertain significance for X-linked lymphoproliferative disease due to XIAP deficiency. Last evaluated: 2025-03-20. Review status: criteria provided, single submitter. Criteria: Invitae Variant Classification Sherloc (09022015). Collection method: clinical testing. Allele origin: germline.
Comment: This sequence change replaces alanine, which is neutral and non-polar, with threonine, which is neutral and polar, at codon 263 of the XIAP protein (p.Ala263Thr). This variant is present in population databases (no rsID available, gnomAD 0.004%). This variant has not been reported in the literature in individuals affected with XIAP-related conditions. Invitae Evidence Modeling of protein sequence and biophysical properties (such as structural, functional, and spatial information, amino acid conservation, physicochemical variation, residue mobility, and thermodynamic stability) indicates that this missense variant is not expected to disrupt XIAP protein function with a negative predictive value of 80%. In summary, the available evidence is currently insufficient to determine the role of this variant in disease. Therefore, it has been classified as a Variant of Uncertain Significance.

NM_001167.4(XIAP):c.787G>A (p.Ala263Thr)

Gene: XIAP (X-linked inhibitor of apoptosis; plus strand). Cytogenetic location: Xq25.
Variant type: single nucleotide variant.
Coding change: c.787G>A on transcript NM_001167.4 (MANE Select); coding-DNA position 787, G replaced by A.
Protein change: p.Ala263Thr; replaces alanine 263 with threonine.
Molecular consequence: missense variant.
Genome position (GRCh38, 1-based): chrX:123,886,449, G>A. VCF-style: chrX-123886449-G-A. GRCh37 (hg19) VCF-style: chrX-123020299-G-A.
Other names: c.787G>A, p.Ala263Thr (NM_001204401.2, NM_001378590.1, NM_001378591.1 and 1 more transcripts); short protein forms A263T.
Identifiers: ClinVar variation 4763102 (VCV004763102.1).